The following is an entry in ClinVar:

NM_015443.4(KANSL1):c.3230A>T (p.Glu1077Val)

Gene: KANSL1 (KAT8 regulatory NSL complex subunit 1). Cytogenetic location: 17q21.31.
Variant type: single nucleotide variant.
Coding change: c.3230A>T on transcript NM_015443.4 (MANE Select); coding-DNA position 3230, A replaced by T.
Protein change: p.Glu1077Val; replaces glutamic acid 1077 with valine.
Molecular consequence: missense variant.
Genome position (GRCh38, 1-based): chr17:46,031,564, T>A on the plus strand (A>T on the coding strand, the complement: KANSL1 is on the minus strand). VCF-style: chr17-46031564-T-A. GRCh37 (hg19) VCF-style: chr17-44108930-T-A.
Other names: c.3230A>T (NM_001193466.1); c.3227A>T, p.Glu1076Val (NM_001193465.2); c.3230A>T, p.Glu1077Val (NM_001193466.2, NM_001379198.1); short protein forms E1076V, E1077V.
Identifiers: ClinVar variation 1506575 (VCV001506575.10), dbSNP rs760256746, ClinGen allele CA8618343.

ClinVar aggregate classification (germline): Uncertain significance. Review status: criteria provided, multiple submitters, no conflicts (2 of 4 stars). 3 submissions from 3 submitters: Uncertain significance (3). Last evaluated 2023-04-12.

Conditions:
Koolen-de Vries syndrome (KDVS). Identifiers: Orphanet 96169, MedGen C1864871, MONDO:0012496, OMIM 610443.
Inborn genetic diseases. Identifiers: MedGen C0950123, MeSH D030342.

Allele frequency attached by ClinVar (database versions not stated): gnomAD 0.00001; TOPMed 0.00001; ExAC 0.00002.
gnomAD v4.1: 7 of 1,614,006 alleles (0.00043%); highest among the groups gnomAD compares: Non-Finnish European, 0.00059%; no homozygotes.

Submissions (3):

Ambry Genetics
Classification: Uncertain significance for Inborn genetic diseases. Last evaluated: 2023-04-12. Review status: criteria provided, single submitter. Criteria: Ambry Variant Classification Scheme 2023. Collection method: clinical testing. Allele origin: germline.

Fulgent Genetics
Classification: Uncertain significance for Koolen-de Vries syndrome. Last evaluated: 2022-03-29. Review status: criteria provided, single submitter. Criteria: ACMG Guidelines, 2015. Collection method: clinical testing. Allele origin: unknown.

Labcorp Genetics (formerly Invitae), Labcorp
Classification: Uncertain significance for Koolen-de Vries syndrome. Last evaluated: 2021-07-21. Review status: criteria provided, single submitter. Criteria: Invitae Variant Classification Sherloc (09022015). Collection method: clinical testing. Allele origin: germline.
Comment: In summary, the available evidence is currently insufficient to determine the role of this variant in disease. Therefore, it has been classified as a Variant of Uncertain Significance. Algorithms developed to predict the effect of missense changes on protein structure and function are either unavailable or do not agree on the potential impact of this missense change (SIFT: "Deleterious"; PolyPhen-2: "Possibly Damaging"; Align-GVGD: "Class C0"). This variant has not been reported in the literature in individuals affected with KANSL1-related conditions. This variant is present in population databases (rs760256746, ExAC 0.003%). This sequence change replaces glutamic acid with valine at codon 1077 of the KANSL1 protein (p.Glu1077Val). The glutamic acid residue is highly conserved and there is a moderate physicochemical difference between glutamic acid and valine.